The following is an entry in ClinVar:

NM_015910.7(WDPCP):c.1790T>C (p.Val597Ala)

Gene: WDPCP (WD repeat containing planar cell polarity effector; minus strand). Cytogenetic location: 2p15.
Variant type: single nucleotide variant.
Coding change: c.1790T>C on transcript NM_015910.7 (MANE Select); coding-DNA position 1790, T replaced by C.
Protein change: p.Val597Ala; replaces valine 597 with alanine.
Molecular consequence: missense variant. On other transcripts: non-coding transcript variant (3).
Genome position (GRCh38, 1-based): chr2:63,313,270, A>G on the plus strand (T>C on the coding strand, the complement: WDPCP is on the minus strand). VCF-style: chr2-63313270-A-G. GRCh37 (hg19) VCF-style: chr2-63540405-A-G.
Other names: c.1313T>C, p.Val438Ala (NM_001042692.3); c.1718T>C, p.Val573Ala (NM_001354044.2); short protein forms V573A, V597A, V438A.
Identifiers: ClinVar variation 5001142 (VCV005001142.1).

ClinVar aggregate classification (germline): Uncertain significance (1 of 4 stars; one submission).

Conditions:
WDPCP-related disorder. Also called: WDPCP-related condition.

Submission:

PreventionGenetics, part of Exact Sciences
Classification: Uncertain significance for WDPCP-related condition. Last evaluated: 2024-11-03. Review status: criteria provided, single submitter. Criteria: ACMG Guidelines, 2015. Collection method: clinical testing. Allele origin: germline.
Comment: The WDPCP c.1790T>C variant is predicted to result in the amino acid substitution p.Val597Ala. To our knowledge, this variant has not been reported in the literature or in a large population database (gnomAD), indicating this variant is rare. At this time, the clinical significance of this variant is uncertain due to the absence of conclusive functional and genetic evidence.